The following is an entry in ClinVar:

NM_032242.4(PLXNA1):c.3182+4G>C

Gene: PLXNA1 (plexin A1; plus strand). Cytogenetic location: 3q21.3.
Variant type: single nucleotide variant.
Coding change: c.3182+4G>C on transcript NM_032242.4 (MANE Select); 4 bases into the intron after coding-DNA position 3182, G replaced by C.
Molecular consequence: intron variant.
Genome position (GRCh38, 1-based): chr3:127,016,688, G>C. VCF-style: chr3-127016688-G-C. GRCh37 (hg19) VCF-style: chr3-126735531-G-C.
Identifiers: ClinVar variation 5001605 (VCV005001605.1).

ClinVar aggregate classification (germline): Likely benign (1 of 4 stars; one submission).

Conditions:
PLXNA1-related disorder. Also called: PLXNA1-related condition.

Submission:

PreventionGenetics, part of Exact Sciences
Classification: Likely benign for PLXNA1-related condition. Last evaluated: 2025-01-28. Review status: criteria provided, single submitter. Criteria: ACMG Guidelines, 2015. Collection method: clinical testing. Allele origin: germline.
Comment: This variant is classified as likely benign based on ACMG/AMP sequence variant interpretation guidelines (Richards et al. 2015 PMID: 25741868, with internal and published modifications).